The following is an entry in ClinVar:

ClinVar aggregate classification (germline): Pathogenic (1 of 4 stars; one submission).

Conditions:
Glutaric aciduria, type 1. Also called: Glutaryl-CoA dehydrogenase deficiency; GA I; Glutaricaciduria, type I; Glutaric acidemia type I; Glutaricacidemia Type 1; Glutaric Acidemia Type 1. Identifiers: Orphanet 25, MedGen C0268595, MONDO:0009281, OMIM 231670.

Submission:

Labcorp Genetics (formerly Invitae), Labcorp
Classification: Pathogenic for Glutaric aciduria, type 1. Last evaluated: 2026-01-07. Review status: criteria provided, single submitter. Criteria: Invitae Variant Classification Sherloc (09022015). Collection method: clinical testing. Allele origin: germline.
Comment: This sequence change replaces glycine, which is neutral and non-polar, with serine, which is neutral and polar, at codon 175 of the GCDH protein (p.Gly175Ser). This variant is not present in population databases (gnomAD no frequency). This missense change has been observed in individual(s) with glutaric aciduria type I (PMID: 34964964; internal data). In at least one individual the data is consistent with being in trans (on the opposite chromosome) from a pathogenic variant. Invitae Evidence Modeling of protein sequence and biophysical properties (such as structural, functional, and spatial information, amino acid conservation, physicochemical variation, residue mobility, and thermodynamic stability) indicates that this missense variant is expected to disrupt GCDH protein function with a positive predictive value of 80%. For these reasons, this variant has been classified as Pathogenic.

Literature cited by the submitters: PubMed 34964964.

NM_000159.4(GCDH):c.523G>A (p.Gly175Ser)

Gene: GCDH (glutaryl-CoA dehydrogenase; plus strand). Cytogenetic location: 19p13.13.
Variant type: single nucleotide variant.
Coding change: c.523G>A on transcript NM_000159.4 (MANE Select); coding-DNA position 523, G replaced by A.
Protein change: p.Gly175Ser; replaces glycine 175 with serine.
Molecular consequence: missense variant. On other transcripts: non-coding transcript variant (2).
Genome position (GRCh38, 1-based): chr19:12,896,009, G>A. VCF-style: chr19-12896009-G-A. GRCh37 (hg19) VCF-style: chr19-13006823-G-A.
Other names: c.523G>A, p.Gly175Ser (NM_013976.5); short protein forms G175S.
Identifiers: ClinVar variation 4778437 (VCV004778437.1).